The following is an entry in ClinVar:

NM_177550.5(SLC13A5):c.644C>T (p.Ala215Val)

Gene: SLC13A5 (solute carrier family 13 member 5; minus strand). Cytogenetic location: 17p13.1.
Variant type: single nucleotide variant.
Coding change: c.644C>T on transcript NM_177550.5 (MANE Select); coding-DNA position 644, C replaced by T.
Protein change: p.Ala215Val; replaces alanine 215 with valine.
Molecular consequence: missense variant.
Genome position (GRCh38, 1-based): chr17:6,703,042, G>A on the plus strand (C>T on the coding strand, the complement: SLC13A5 is on the minus strand). VCF-style: chr17-6703042-G-A. GRCh37 (hg19) VCF-style: chr17-6606361-G-A.
Other names: NM_177550.5(SLC13A5):c.644C>T; p.Ala215Val; c.644C>T, p.Ala215Val (NM_001143838.3); c.593C>T, p.Ala198Val (NM_001284509.2); c.515C>T, p.Ala172Val (NM_001284510.2); short protein forms A172V, A198V, A215V.
Identifiers: ClinVar variation 943501 (VCV000943501.16), dbSNP rs777563695, ClinGen allele CA287395966.

ClinVar aggregate classification (germline): Uncertain significance. Review status: criteria provided, multiple submitters, no conflicts (2 of 4 stars). 4 submissions from 4 submitters: Uncertain significance (4). Last evaluated 2023-07-17.

Conditions:
Developmental and epileptic encephalopathy, 25 (DEE25). Also called: Developmental and epileptic encephalopathy 25, with amelogenesis imperfecta; Epileptic encephalopathy, early infantile, 25, with amelogenesis imperfecta; Epileptic encephalopathy, early infantile, 25. Identifiers: Orphanet 442835, MedGen C4014621, MONDO:0014392, OMIM 615905.

Allele frequency attached by ClinVar (database versions not stated): gnomAD exomes below 0.00001 and 0.00001; gnomAD 0.00001; TOPMed 0.00001.
gnomAD v4.1: 15 of 1,614,080 alleles (0.00093%); highest among the groups gnomAD compares: South Asian, 0.0033%; no homozygotes.

Submissions (4):

Labcorp Genetics (formerly Invitae), Labcorp
Classification: Uncertain significance for Developmental and epileptic encephalopathy, 25. Last evaluated: 2023-07-17. Review status: criteria provided, single submitter. Criteria: Invitae Variant Classification Sherloc (09022015). Collection method: clinical testing. Allele origin: germline.
Comment: In summary, the available evidence is currently insufficient to determine the role of this variant in disease. Therefore, it has been classified as a Variant of Uncertain Significance. Advanced modeling of protein sequence and biophysical properties (such as structural, functional, and spatial information, amino acid conservation, physicochemical variation, residue mobility, and thermodynamic stability) has been performed at Invitae for this missense variant, however the output from this modeling did not meet the statistical confidence thresholds required to predict the impact of this variant on SLC13A5 protein function. ClinVar contains an entry for this variant (Variation ID: 943501). This missense change has been observed in individual(s) with clinical features of SLC13A5-related conditions (PMID: 32551328). This variant is present in population databases (rs777563695, gnomAD 0.003%). This sequence change replaces alanine, which is neutral and non-polar, with valine, which is neutral and non-polar, at codon 215 of the SLC13A5 protein (p.Ala215Val).

Broad Center for Mendelian Genomics, Broad Institute of MIT and Harvard
Classification: Uncertain significance for Developmental and epileptic encephalopathy, 25. Last evaluated: 2021-11-02. Review status: criteria provided, single submitter. Criteria: ACMG Guidelines, 2015. Collection method: curation. Allele origin: germline. Inheritance: Autosomal recessive inheritance.
Comment: The p.Ala215Val variant in SLC13A5 has been reported in 2 individuals with developmental and epileptic encephalopathy (PMID: 32551328) and has been identified in 0.003% (1/30616) of South Asian chromosomes by the Genome Aggregation Database (gnomAD; dbSNP ID: rs777563695). Although this variant has been seen in the general population in a heterozygous state, its frequency is low enough to be consistent with a recessive carrier frequency. Of the 2 affected individuals, 2 of those were homozygotes which increases the likelihood that the p.Ala215Val variant is pathogenic (PMID: 32551328). This variant has also been reported in ClinVar (Variation ID#: 943501) and has been interpreted as VUS by Invitae. Computational prediction tools and conservation analyses do not provide strong support for or against an impact to the protein. In summary, the clinical significance of the p.Ala215Val variant is uncertain. ACMG/AMP Criteria applied: PM3, PM2_supporting (Richards 2015).

Genome-Nilou Lab
Classification: Uncertain significance for Developmental and epileptic encephalopathy, 25. Last evaluated: 2021-07-15. Review status: criteria provided, single submitter. Criteria: ACMG Guidelines, 2015. Collection method: clinical testing. Allele origin: germline. Affected: no.

GeneDx
Classification: Uncertain significance. Last evaluated: 2019-06-29. Review status: criteria provided, single submitter. Criteria: GeneDx Variant Classification Process June 2021. Collection method: clinical testing. Allele origin: germline. Affected: yes.
Comment: Not observed at a significant frequency in large population cohorts (Lek et al., 2016); In silico analysis, which includes protein predictors and evolutionary conservation, supports a deleterious effect; Has not been previously published as pathogenic or benign to our knowledge; This variant is associated with the following publications: (PMID: 32551328)

Literature cited by the submitters: PubMed 32551328 (cited by Labcorp Genetics (formerly Invitae), Labcorp).